The following is an entry in ClinVar:

NM_012064.4(MIP):c.*491A>C

Gene: MIP (major intrinsic protein of lens fiber; minus strand). Cytogenetic location: 12q13.3.
Variant type: single nucleotide variant.
Coding change: c.*491A>C on transcript NM_012064.4 (MANE Select); 491 bases downstream of the stop codon, A replaced by C.
Molecular consequence: 3 prime UTR variant.
Genome position (GRCh38, 1-based): chr12:56,450,789, T>G on the plus strand (A>C on the coding strand, the complement: MIP is on the minus strand). VCF-style: chr12-56450789-T-G. GRCh37 (hg19) VCF-style: chr12-56844573-T-G.
Identifiers: ClinVar variation 309876 (VCV000309876.5), dbSNP rs137926387, ClinGen allele CA10633325.

ClinVar aggregate classification (germline): Benign (1 of 4 stars; one submission).

Conditions:
Cataract 15 multiple types. Also called: CATARACT 15, LAMELLAR WITH SUTURAL OPACITIES. Identifiers: Orphanet 91492, MedGen C3809001, MONDO:0014110, OMIM 615274.

Allele frequency attached by ClinVar (database versions not stated): 1000 Genomes Project 0.00220; gnomAD 0.00220 and 0.00222; gnomAD exomes 0.00241; TOPMed 0.00258; 1000 Genomes Project 30x 0.00265.
gnomAD v4.1: 372 of 167,844 alleles (0.22%); highest among the groups gnomAD compares: Admixed American, 0.42%; 1 homozygote.

Submission:

Illumina Laboratory Services, Illumina
Classification: Benign for Cataract 15 multiple types. Last evaluated: 2018-01-12. Review status: criteria provided, single submitter. Criteria: ICSL Variant Classification Criteria 13 December 2019. Collection method: clinical testing. Allele origin: germline.
Comment: This variant was observed in the ICSL laboratory as part of a predisposition screen in an ostensibly healthy population. It had not been previously curated by ICSL or reported in the Human Gene Mutation Database (HGMD: prior to June 1st, 2018), and was therefore a candidate for classification through an automated scoring system. Utilizing variant allele frequency, disease prevalence and penetrance estimates, and inheritance mode, an automated score was calculated to assess if this variant is too frequent to cause the disease. Based on the score and internal cut-off values, a variant classified as benign is not then subjected to further curation. The score for this variant resulted in a classification of benign for this disease.